The following is an entry in ClinVar:

ClinVar aggregate classification (germline): Uncertain significance (1 of 4 stars; one submission).

Conditions:
Cardiovascular phenotype. Identifiers: MedGen CN230736.

gnomAD v4.1: 2 of 1,608,738 alleles (0.00012%); highest among the groups gnomAD compares: Non-Finnish European, 0.000085%; no homozygotes.

Submission:

Ambry Genetics
Classification: Uncertain significance for Cardiovascular phenotype. Last evaluated: 2025-05-10. Review status: criteria provided, single submitter. Criteria: Ambry Variant Classification Scheme 2023. Collection method: clinical testing. Allele origin: germline.
Comment: The p.Y1505C variant (also known as c.4514A>G), located in coding exon 26 of the FLNC gene, results from an A to G substitution at nucleotide position 4514. The tyrosine at codon 1505 is replaced by cysteine, an amino acid with highly dissimilar properties. This amino acid position is conserved. In addition, this alteration is predicted to be deleterious by in silico analysis. Based on the available evidence, the clinical significance of this variant remains unclear.

NM_001458.5(FLNC):c.4514A>G (p.Tyr1505Cys)

Gene: FLNC (filamin C; plus strand). Cytogenetic location: 7q32.1.
Variant type: single nucleotide variant.
Coding change: c.4514A>G on transcript NM_001458.5 (MANE Select); coding-DNA position 4514, A replaced by G.
Protein change: p.Tyr1505Cys; replaces tyrosine 1505 with cysteine.
Molecular consequence: missense variant.
Genome position (GRCh38, 1-based): chr7:128,848,002, A>G. VCF-style: chr7-128848002-A-G. GRCh37 (hg19) VCF-style: chr7-128488056-A-G.
Other names: c.4514A>G, p.Tyr1505Cys (NM_001127487.2); short protein forms Y1505C.
Identifiers: ClinVar variation 4025624 (VCV004025624.1).